The following is an entry in ClinVar:

NM_001097577.3(ANG):c.379G>A (p.Val127Ile)

Genes: ANG (angiogenin; plus strand), EGILA (EGFR interacting lncRNA; minus strand), RNASE4 (ribonuclease A family member 4; plus strand). Cytogenetic location: 14q11.2.
Variant type: single nucleotide variant.
Coding change: c.379G>A on transcript NM_001097577.3 (MANE Select); coding-DNA position 379, G replaced by A.
Protein change: p.Val127Ile; replaces valine 127 with isoleucine.
Molecular consequence: missense variant. On other transcripts: intron variant (4).
Genome position (GRCh38, 1-based): chr14:20,693,943, G>A. VCF-style: chr14-20693943-G-A. GRCh37 (hg19) VCF-style: chr14-21162102-G-A.
Other names: c.379G>A, p.Val127Ile (NM_001145.4, NM_001385271.1, NM_001385272.1 and 2 more transcripts); c.-18+293G>A (NM_001282192.2); c.-17-5412G>A (NM_002937.5, NM_001282193.2); c.-18+5069G>A (NM_194431.3); short protein forms V127I.
Identifiers: ClinVar variation 1948642 (VCV001948642.4), dbSNP rs553513710, ClinGen allele CA7083188.

ClinVar aggregate classification (germline): Uncertain significance (1 of 4 stars; one submission).

Allele frequency attached by ClinVar (database versions not stated): gnomAD exomes 0.00002; gnomAD 0.00003; TOPMed 0.00003; ExAC 0.00007; 1000 Genomes Project 30x 0.00016; 1000 Genomes Project 0.00020.
gnomAD v4.1: 32 of 1,614,112 alleles (0.002%); highest among the groups gnomAD compares: East Asian, 0.04%; no homozygotes.

Submission:

Labcorp Genetics (formerly Invitae), Labcorp
Classification: Uncertain significance. Last evaluated: 2024-10-30. Review status: criteria provided, single submitter. Criteria: Invitae Variant Classification Sherloc (09022015). Collection method: clinical testing. Allele origin: germline.
Comment: This sequence change replaces valine, which is neutral and non-polar, with isoleucine, which is neutral and non-polar, at codon 127 of the ANG protein (p.Val127Ile). This variant is present in population databases (rs553513710, gnomAD 0.05%). This missense change has been observed in individual(s) with amyotrophic lateral sclerosis (PMID: 22292798, 28160950, 29411640, 31025543). ClinVar contains an entry for this variant (Variation ID: 1948642). An algorithm developed to predict the effect of missense changes on protein structure and function outputs the following: PolyPhen-2: "Benign". The isoleucine amino acid residue is found in multiple mammalian species, which suggests that this missense change does not adversely affect protein function. In summary, the available evidence is currently insufficient to determine the role of this variant in disease. Therefore, it has been classified as a Variant of Uncertain Significance.

Literature cited by the submitters: PubMed 22292798; PubMed 28160950; PubMed 29411640; PubMed 31025543.